The following is an entry in ClinVar:

ClinVar aggregate classification (germline): Uncertain significance (1 of 4 stars; one submission).

Allele frequency attached by ClinVar (database versions not stated): gnomAD exomes 0.00002; gnomAD 0.00006 and 0.00005; TOPMed 0.00003 and 0.00006; ESP Exome Variant Server 0.00008; ExAC 0.00002.
gnomAD v4.1: 36 of 1,613,390 alleles (0.0022%); highest among the groups gnomAD compares: Non-Finnish European, 0.003%; no homozygotes.

Submission:

GeneDx
Classification: Uncertain significance. Review status: criteria provided, single submitter. Criteria: GeneDx Variant Classification (06012015). Collection method: clinical testing. Allele origin: germline. Affected: yes.
Comment: Missense variants in the TTN gene are considered 'unclassified' if they are not previously reported in the literature and do not have >1% frequency in the population to be considered a polymorphism. Research indicates that truncating mutations in the TTN gene are expected to account for approximately 25% of familial and 18% of sporadic idiopathic DCM; however, truncating variants in the TTN gene have been reported in approximately 3% of reported control alleles. There has been little investigation into non-truncating variants. (Herman D et al. Truncations of titin causing dilated cardiomyopathy. N Eng J Med 366:619-628, 2012) The variant is found in the TTN panel(s).

NM_001267550.2(TTN):c.69533G>T (p.Arg23178Met)

Genes: TTN (titin; minus strand), TTN-AS1 (TTN antisense RNA 1; plus strand). Cytogenetic location: 2q31.2.
Variant type: single nucleotide variant.
Coding change: c.69533G>T on transcript NM_001267550.2 (MANE Select); coding-DNA position 69533, G replaced by T.
Protein change: p.Arg23178Met; replaces arginine 23178 with methionine.
Molecular consequence: missense variant.
Genome position (GRCh38, 1-based): chr2:178,576,711, C>A on the plus strand (G>T on the coding strand, the complement: TTN is on the minus strand). VCF-style: chr2-178576711-C-A. GRCh37 (hg19) VCF-style: chr2-179441438-C-A.
Other names: p.R21537M:AGG>ATG; c.64610G>T, p.Arg21537Met (NM_001256850.1); c.42338G>T, p.Arg14113Met (NM_003319.4); c.61829G>T, p.Arg20610Met (NM_133378.4); c.42713G>T, p.Arg14238Met (NM_133432.3); c.42914G>T, p.Arg14305Met (NM_133437.4); short protein forms R21537M, R23178M, R14113M, R14238M, R14305M, R20610M.
Identifiers: ClinVar variation 202820 (VCV000202820.1), dbSNP rs376978126, ClinGen allele CA310388.
Genomic context (GRCh38, chr2:178,576,711, plus strand): 5'-CTGAGATCGGAAACTGGTGTTTTTATTGCTCTCACCCATCGCAGGCTTTTCTTTTCTCTC[C>A]TTTCTACATGATATCCTGTAATTTCGCTGCCACCATCATCCACTGGCCTTTTCCAGCTGA-3'
Protein context (NP_001254479.2, residues 23168-23188): GSEITGYHVE[Arg23178Met]REKKSLRWVR